The following is an entry in ClinVar:

ClinVar aggregate classification (germline): Uncertain significance. Review status: criteria provided, single submitter (1 of 4 stars). 2 submissions from 2 submitters: Uncertain significance (1). 1 of the submissions does not count toward it. Last evaluated 2023-05-24.

Conditions:
Mucopolysaccharidosis-plus syndrome. Also called: Mucopolysaccharidosis-like syndrome with congenital heart defects and hematopoietic disorders. Identifiers: Orphanet 505248, MedGen C4310627, MONDO:0015012, OMIM 617303.
VPS33A-related disorder. Also called: VPS33A-related condition.

Submissions (2):

Department of Pathology and Laboratory Medicine, Sinai Health System
Classification: Uncertain significance for mucopolysaccharidosis-plus syndrome. Last evaluated: 2023-05-24. Review status: criteria provided, single submitter. Criteria: ACMG Guidelines, 2015. Collection method: research. Allele origin: germline.

PreventionGenetics, part of Exact Sciences
Classification: Likely benign for VPS33A-related condition. Last evaluated: 2019-08-08. Review status: no assertion criteria provided. Collection method: clinical testing. Allele origin: germline. Not counted in ClinVar's aggregate classification.
Comment: This variant is classified as likely benign based on ACMG/AMP sequence variant interpretation guidelines (Richards et al. 2015 PMID: 25741868, with internal and published modifications).

NM_022916.6(VPS33A):c.102+174del

Gene: VPS33A (VPS33A core subunit of CORVET and HOPS complexes; minus strand). Cytogenetic location: 12q24.31.
Variant type: Deletion.
Coding change: c.102+174del on transcript NM_022916.6 (MANE Select); 174 bases into the intron after coding-DNA position 102, one base deleted (G; older notation c.102+174delG).
Molecular consequence: intron variant. On other transcripts: frameshift variant (1), 5 prime UTR variant (1).
Genome position (GRCh38, 1-based): chr12:122,266,133, C deleted on the plus strand (G on the coding strand, the reverse complement: VPS33A is on the minus strand); the first of 8 consecutive C bases (chr12:122,266,133-122,266,140); deleting any one gives the same sequence. VCF-style (leftmost placement, unchanged base first): chr12-122266132-GC-G. GRCh37 (hg19) VCF-style: chr12-122750679-GC-G.
Other names: c.13del, p.Ala5fs (NM_001351018.2); c.-85del (NM_001351019.2); c.102+174del (NM_001351020.2, NM_001351021.2); short protein forms A5fs.
Identifiers: ClinVar variation 3055566 (VCV003055566.3), dbSNP rs146100866, ClinGen allele CA482194068.
Genomic context (GRCh38, chr12:122,266,132, plus strand): 5'-CTTACTCTGCTCTCACAAAACAGTCGCGGTGCCACTCCGGCTCCAGGCTGTACGCCCAGG[GC>G]CCCCCCCTTCATCGCTGCCTCCTGCACAGGGGTGCAGGTAAAAGGGCCCTGAGGCTCGCC-3'